The following is an entry in ClinVar:

NM_002354.3(EPCAM):c.271A>T (p.Asn91Tyr)

Gene: EPCAM (epithelial cell adhesion molecule; plus strand). Cytogenetic location: 2p21.
Variant type: single nucleotide variant.
Coding change: c.271A>T on transcript NM_002354.3 (MANE Select); coding-DNA position 271, A replaced by T.
Protein change: p.Asn91Tyr; replaces asparagine 91 with tyrosine.
Molecular consequence: missense variant.
Genome position (GRCh38, 1-based): chr2:47,373,894, A>T. VCF-style: chr2-47373894-A-T. GRCh37 (hg19) VCF-style: chr2-47601033-A-T.
Other names: short protein forms N91Y.
Identifiers: ClinVar variation 3845292 (VCV003845292.1).

ClinVar aggregate classification (germline): Uncertain significance (1 of 4 stars; one submission).

Conditions:
Hereditary cancer-predisposing syndrome. Also called: Hereditary neoplastic syndrome; Neoplastic Syndromes, Hereditary; Tumor predisposition; Hereditary Cancer Syndrome. Identifiers: Orphanet 140162, MedGen C0027672, MeSH D009386, MONDO:0015356.

gnomAD v4.1: 1 of 1,614,184 alleles (0.000062%); highest among the groups gnomAD compares: African/African-American, 0.0013%; no homozygotes.

Submission:

Ambry Genetics
Classification: Uncertain significance for Hereditary cancer-predisposing syndrome. Last evaluated: 2025-01-04. Review status: criteria provided, single submitter. Criteria: Ambry Variant Classification Scheme 2023. Collection method: clinical testing. Allele origin: germline.
Comment: The p.N91Y variant (also known as c.271A>T), located in coding exon 3 of the EPCAM gene, results from an A to T substitution at nucleotide position 271. The asparagine at codon 91 is replaced by tyrosine, an amino acid with dissimilar properties. This amino acid position is conserved. In addition, the in silico prediction for this alteration is inconclusive. Based on the available evidence, the clinical significance of this variant remains unclear.